The following is an entry in ClinVar:

ClinVar aggregate classification (germline): Uncertain significance (1 of 4 stars; one submission).

Submission:

GeneDx
Classification: Uncertain significance. Last evaluated: 2019-05-09. Review status: criteria provided, single submitter. Criteria: GeneDx Variant Classification Process June 2021. Collection method: clinical testing. Allele origin: germline. Affected: yes.
Comment: Not observed in large population cohorts (Lek et al., 2016); In silico analysis, which includes protein predictors and evolutionary conservation, supports a deleterious effect; Has not been previously published as pathogenic or benign to our knowledge

NM_000133.4(F9):c.800A>C (p.His267Pro)

Gene: F9 (coagulation factor IX; plus strand). Cytogenetic location: Xq27.1.
Variant type: single nucleotide variant.
Coding change: c.800A>C on transcript NM_000133.4 (MANE Select); coding-DNA position 800, A replaced by C.
Protein change: p.His267Pro; replaces histidine 267 with proline.
Molecular consequence: missense variant.
Genome position (GRCh38, 1-based): chrX:139,560,817, A>C. VCF-style: chrX-139560817-A-C. GRCh37 (hg19) VCF-style: chrX-138642976-A-C.
Other names: c.686A>C, p.His229Pro (NM_001313913.2); short protein forms H229P, H267P.
Identifiers: ClinVar variation 1305325 (VCV001305325.2), dbSNP rs1447015296, ClinGen allele CA414443497.
Genomic context (GRCh38, chrX:139,560,817, plus strand): 5'-AAGTTGATGCATTCTGTGGAGGCTCTATCGTTAATGAAAAATGGATTGTAACTGCTGCCC[A>C]CTGTGTTGAAACTGGTGTTAAAATTACAGTTGTCGCAGGTAAATACACAGAAAGAATAAT-3'
Protein context (NP_000124.1, residues 257-277): VNEKWIVTAA[His267Pro]CVETGVKITV